The following is an entry in ClinVar:

NM_005554.4(KRT6A):c.500T>A (p.Ile167Asn)

Gene: KRT6A (keratin 6A; minus strand). Cytogenetic location: 12q13.13.
Variant type: single nucleotide variant.
Coding change: c.500T>A on transcript NM_005554.4 (MANE Select); coding-DNA position 500, T replaced by A.
Protein change: p.Ile167Asn; replaces isoleucine 167 with asparagine.
Molecular consequence: missense variant.
Genome position (GRCh38, 1-based): chr12:52,492,689, A>T on the plus strand (T>A on the coding strand, the complement: KRT6A is on the minus strand). VCF-style: chr12-52492689-A-T. GRCh37 (hg19) VCF-style: chr12-52886473-A-T.
Other names: short protein forms I167N.
Identifiers: ClinVar variation 66582 (VCV000066582.3), dbSNP rs57126929, ClinGen allele CA217347.

ClinVar aggregate classification (germline): Likely pathogenic. Review status: criteria provided, single submitter (1 of 4 stars). 2 submissions from 2 submitters: Likely pathogenic (1). 1 of the submissions does not count toward it.

Conditions:
Pachyonychia congenita 3 (PC3). Also called: KRT6A-Related Pachyonychia Congenita; PC-K6a. Identifiers: Orphanet 2309, MedGen C3714948, MONDO:0014324, OMIM 615726.

Submissions (2):

Kasturba Medical College, Manipal, Kasturba Medical College, Manipal, Manipal Academy of Higher Education, Manipal, India
Classification: Likely pathogenic for Pachyonychia congenita 3. Review status: criteria provided, single submitter. Criteria: ACMG Guidelines, 2015. Collection method: clinical testing. Allele origin: de novo. Inheritance: Autosomal dominant inheritance. Affected: yes. Observed: 1 heterozygote.
Comment: In silico prediction tools (MutationTaster, CADD phred, and REVEL) are consistent in predicting the variant to be damaging to KRT6A protein function. This variant c.500T>A in heterozygous state, was reported in a similarly affected individual earlier (Smith, et al. 2005).

Epithelial Biology;  Institute of Medical Biology, Singapore
No classification provided. Review status: no classification provided. Collection method: not provided. Allele origin: not provided. Not counted in ClinVar's aggregate classification.